The following is an entry in ClinVar:

ClinVar aggregate classification (germline): Pathogenic (1 of 4 stars; one submission).

Conditions:
RPGR-related disorder. Also called: RPGR-related condition.

Submission:

PreventionGenetics, part of Exact Sciences
Classification: Pathogenic for RPGR-related condition. Last evaluated: 2024-11-15. Review status: criteria provided, single submitter. Criteria: ACMG Guidelines, 2015. Collection method: clinical testing. Allele origin: germline.
Comment: The RPGR c.2368G>T variant is predicted to result in premature protein termination (p.Glu790*). To our knowledge, this variant has not been reported in the literature or in a large population database (gnomAD), indicating this variant is rare. Nonsense variants in RPGR are an established mechanism of disease. This variant is interpreted as pathogenic.

NM_001034853.2(RPGR):c.2368G>T (p.Glu790Ter)

Gene: RPGR (retinitis pigmentosa GTPase regulator; minus strand). Cytogenetic location: Xp11.4.
Variant type: single nucleotide variant.
Coding change: c.2368G>T on transcript NM_001034853.2 (MANE Select); coding-DNA position 2368, G replaced by T.
Protein change: p.Glu790Ter; replaces glutamic acid 790 with a stop codon.
Molecular consequence: nonsense. On other transcripts: intron variant (8).
Genome position (GRCh38, 1-based): chrX:38,286,631, C>A on the plus strand (G>T on the coding strand, the complement: RPGR is on the minus strand). VCF-style: chrX-38286631-C-A. GRCh37 (hg19) VCF-style: chrX-38145884-C-A.
Other names: c.1569+4328G>T (NM_001367249.1, NM_001367250.1); c.1902+463G>T (NM_001367245.1); c.1386+4328G>T (NM_001367251.1); c.1719+463G>T (NM_001367246.1); c.1572+4328G>T (NM_001367247.1); c.1905+463G>T (NM_000328.3); c.1602+4328G>T (NM_001367248.1); short protein forms E790*.
Identifiers: ClinVar variation 4998038 (VCV004998038.1).